The following is an entry in ClinVar:

NM_001006658.3(CR2):c.2323+5G>A

Gene: CR2 (complement C3d receptor 2; plus strand). Cytogenetic location: 1q32.2.
Variant type: single nucleotide variant.
Coding change: c.2323+5G>A on transcript NM_001006658.3 (MANE Select); 5 bases into the intron after coding-DNA position 2323, G replaced by A.
Molecular consequence: intron variant.
Genome position (GRCh38, 1-based): chr1:207,474,328, G>A. VCF-style: chr1-207474328-G-A. GRCh37 (hg19) VCF-style: chr1-207647673-G-A.
Other names: c.2146+5G>A (NM_001877.5).
Identifiers: ClinVar variation 2020306 (VCV002020306.4), dbSNP rs1346212429, ClinGen allele CA2573997516.

ClinVar aggregate classification (germline): Uncertain significance (1 of 4 stars; one submission).

Conditions:
Immunodeficiency, common variable, 7. Identifiers: Orphanet 1572, Orphanet 696894, MedGen C3542922, MONDO:0013862, OMIM 614699.

Submission:

Labcorp Genetics (formerly Invitae), Labcorp
Classification: Uncertain significance for Immunodeficiency, common variable, 7. Last evaluated: 2022-07-29. Review status: criteria provided, single submitter. Criteria: Invitae Variant Classification Sherloc (09022015). Collection method: clinical testing. Allele origin: germline.
Comment: This variant has not been reported in the literature in individuals affected with CR2-related conditions. Variants that disrupt the consensus splice site are a relatively common cause of aberrant splicing (PMID: 17576681, 9536098). Algorithms developed to predict the effect of sequence changes on RNA splicing suggest that this variant is not likely to affect RNA splicing. In summary, the available evidence is currently insufficient to determine the role of this variant in disease. Therefore, it has been classified as a Variant of Uncertain Significance. This variant is not present in population databases (gnomAD no frequency). This sequence change falls in intron 13 of the CR2 gene. It does not directly change the encoded amino acid sequence of the CR2 protein. It affects a nucleotide within the consensus splice site.

Literature cited by the submitters: PubMed 17576681; PubMed 9536098.